The following is an entry in ClinVar:

ClinVar aggregate classification (germline): Uncertain significance (1 of 4 stars; one submission).

Conditions:
Malignant hyperthermia, susceptibility to, 1 (MHS1). Also called: RYR1-Related Malignant Hyperthermia Susceptibility; Malignant hyperthermia suceptibility 1; Anesthesia related hyperthermia; Malignant hyperpyrexia; Fulminating hyperpyrexia; Pharmacogenic myopathy. Identifiers: Orphanet 423, MedGen C2930980, MONDO:0007783, OMIM 145600.

gnomAD v4.1: 1 of 1,612,910 alleles (0.000062%); highest among the groups gnomAD compares: Non-Finnish European, 0.000085%; no homozygotes.

Submission:

Color Diagnostics, LLC DBA Color Health
Classification: Uncertain significance for Malignant hyperthermia, susceptibility to, 1. Last evaluated: 2024-02-05. Review status: criteria provided, single submitter. Criteria: ACMG Guidelines, 2015. Collection method: clinical testing. Allele origin: germline.
Comment: This variant causes a G to T nucleotide substitution at the +5 position of intron 1/105 of the RYR1 gene. To our knowledge, functional studies have not been reported for this variant. This variant has not been reported in individuals affected with RYR1-related disorders in the literature. This variant has not been identified in the general population by the Genome Aggregation Database (gnomAD). The available evidence is insufficient to determine the role of this variant in disease conclusively. Therefore, this variant is classified as a Variant of Uncertain Significance.

NM_000540.3(RYR1):c.45+5G>T

Gene: RYR1 (ryanodine receptor 1; plus strand). Cytogenetic location: 19q13.2.
Variant type: single nucleotide variant.
Coding change: c.45+5G>T on transcript NM_000540.3 (MANE Select); 5 bases into the intron after coding-DNA position 45, G replaced by T.
Molecular consequence: intron variant.
Genome position (GRCh38, 1-based): chr19:38,433,879, G>T. VCF-style: chr19-38433879-G-T. GRCh37 (hg19) VCF-style: chr19-38924519-G-T.
Other names: c.45+5G>T (NM_001042723.2).
Identifiers: ClinVar variation 3894355 (VCV003894355.1).